The following is an entry in ClinVar:

ClinVar aggregate classification (germline): Uncertain significance (1 of 4 stars; one submission).

Conditions:
Neurofibromatosis, type 1 (NF1). Also called: VON RECKLINGHAUSEN DISEASE; Peripheral type neurofibromatosis; NEUROFIBROMATOSIS, TYPE I, SOMATIC; Neurofibromatosis, type I. Identifiers: Orphanet 636, MedGen C0027831, MONDO:0018975, OMIM 162200. Disease mechanism: loss of function.

gnomAD v4.1: 1 of 1,612,038 alleles (0.000062%); highest among the groups gnomAD compares: Non-Finnish European, 0.000085%; no homozygotes.

Submission:

Labcorp Genetics (formerly Invitae), Labcorp
Classification: Uncertain significance for Neurofibromatosis, type 1. Last evaluated: 2024-02-11. Review status: criteria provided, single submitter. Criteria: Invitae Variant Classification Sherloc (09022015). Collection method: clinical testing. Allele origin: germline.
Comment: This sequence change replaces alanine, which is neutral and non-polar, with valine, which is neutral and non-polar, at codon 1509 of the NF1 protein (p.Ala1509Val). This variant is not present in population databases (gnomAD no frequency). This variant has not been reported in the literature in individuals affected with NF1-related conditions. Advanced modeling of protein sequence and biophysical properties (such as structural, functional, and spatial information, amino acid conservation, physicochemical variation, residue mobility, and thermodynamic stability) performed at Invitae indicates that this missense variant is expected to disrupt NF1 protein function with a positive predictive value of 95%. In summary, the available evidence is currently insufficient to determine the role of this variant in disease. Therefore, it has been classified as a Variant of Uncertain Significance.

NM_001042492.3(NF1):c.4589C>T (p.Ala1530Val)

Gene: NF1 (neurofibromin 1; plus strand). Cytogenetic location: 17q11.2.
Variant type: single nucleotide variant.
Coding change: c.4589C>T on transcript NM_001042492.3 (MANE Select); coding-DNA position 4589, C replaced by T.
Protein change: p.Ala1530Val; replaces alanine 1530 with valine.
Molecular consequence: missense variant.
Genome position (GRCh38, 1-based): chr17:31,261,722, C>T. VCF-style: chr17-31261722-C-T. GRCh37 (hg19) VCF-style: chr17-29588740-C-T.
Other names: c.4526C>T, p.Ala1509Val (NM_000267.4); short protein forms A1530V, A1509V.
Identifiers: ClinVar variation 3634558 (VCV003634558.2).